The following is an entry in ClinVar:

NM_024741.3(ZNF408):c.1622G>A (p.Arg541His)

Gene: ZNF408 (zinc finger protein 408; plus strand). Cytogenetic location: 11p11.2.
Variant type: single nucleotide variant.
Coding change: c.1622G>A on transcript NM_024741.3 (MANE Select); coding-DNA position 1622, G replaced by A.
Protein change: p.Arg541His; replaces arginine 541 with histidine.
Molecular consequence: missense variant.
Genome position (GRCh38, 1-based): chr11:46,705,322, G>A. VCF-style: chr11-46705322-G-A. GRCh37 (hg19) VCF-style: chr11-46726872-G-A.
Other names: c.1598G>A, p.Arg533His (NM_001184751.2); short protein forms R533H, R541H.
Identifiers: ClinVar variation 1053332 (VCV001053332.9), dbSNP rs747857641, ClinGen allele CA5966613.

ClinVar aggregate classification (germline): Uncertain significance. Review status: criteria provided, multiple submitters, no conflicts (2 of 4 stars). 2 submissions from 2 submitters: Uncertain significance (2). Last evaluated 2024-05-22.

Allele frequency attached by ClinVar (database versions not stated): gnomAD 0.00001; gnomAD exomes 0.00001 and 0.00002; TOPMed 0.00001; ExAC 0.00003.

Submissions (2):

Blueprint Genetics
Classification: Uncertain significance. Last evaluated: 2024-05-22. Review status: criteria provided, single submitter. Criteria: ACMG Guidelines, 2015. Collection method: clinical testing. Allele origin: germline.

Labcorp Genetics (formerly Invitae), Labcorp
Classification: Uncertain significance. Last evaluated: 2023-11-06. Review status: criteria provided, single submitter. Criteria: Invitae Variant Classification Sherloc (09022015). Collection method: clinical testing. Allele origin: germline.
Comment: This sequence change replaces arginine, which is basic and polar, with histidine, which is basic and polar, at codon 541 of the ZNF408 protein (p.Arg541His). This variant is present in population databases (rs747857641, gnomAD 0.007%). This missense change has been observed in individuals with clinical features of autosomal recessive retinitis pigmentosa (Invitae). ClinVar contains an entry for this variant (Variation ID: 1053332). An algorithm developed to predict the effect of missense changes on protein structure and function (PolyPhen-2) suggests that this variant is likely to be disruptive. This variant disrupts the p.Arg541 amino acid residue in ZNF408. Other variant(s) that disrupt this residue have been determined to be pathogenic (PMID: 25882705; Invitae). This suggests that this residue is clinically significant, and that variants that disrupt this residue are likely to be disease-causing. In summary, the available evidence is currently insufficient to determine the role of this variant in disease. Therefore, it has been classified as a Variant of Uncertain Significance.

Literature cited by the submitters: PubMed 25882705 (cited by Labcorp Genetics (formerly Invitae), Labcorp).